The following is an entry in ClinVar:

NM_005245.4(FAT1):c.5306A>G (p.Glu1769Gly)

Gene: FAT1 (FAT atypical cadherin 1; minus strand). Cytogenetic location: 4q35.2.
Variant type: single nucleotide variant.
Coding change: c.5306A>G on transcript NM_005245.4 (MANE Select); coding-DNA position 5306, A replaced by G.
Protein change: p.Glu1769Gly; replaces glutamic acid 1769 with glycine.
Molecular consequence: missense variant.
Genome position (GRCh38, 1-based): chr4:186,621,280, T>C on the plus strand (A>G on the coding strand, the complement: FAT1 is on the minus strand). VCF-style: chr4-186621280-T-C. GRCh37 (hg19) VCF-style: chr4-187542434-T-C.
Other names: c.5306A>G (NM_005245.3); short protein forms E1769G.
Identifiers: ClinVar variation 2158578 (VCV002158578.6), dbSNP rs199769454, ClinGen allele CA3166488.
Genomic context (GRCh38, chr4:186,621,280, plus strand): 5'-TTCCTGTCTGTTAGGACCACGCTGTTAATTGAGGCTGATTCACTAATGAGTCCTGTATAT[T>C]CTGCCTGCATAAAAACTGGCGCGTTGTCATTCTCATCCTGCAAGTGAACTAGAACCGTTG-3'
Protein context (NP_005236.2, residues 1759-1779): NDNAPVFMQA[Glu1769Gly]YTGLISESAS

ClinVar aggregate classification (germline): Uncertain significance. Review status: criteria provided, multiple submitters, no conflicts (2 of 4 stars). 4 submissions from 4 submitters: Uncertain significance (3). 1 of the submissions does not count toward it. Last evaluated 2024-10-07.

Conditions:
FAT1-related disorder. Also called: FAT1-related condition.

Allele frequency attached by ClinVar (database versions not stated): ESP Exome Variant Server 0.00025; ExAC 0.00026; TOPMed 0.00031; gnomAD 0.00034; gnomAD exomes 0.00046.
gnomAD v4.1: 705 of 1,613,934 alleles (0.044%); highest among the groups gnomAD compares: Non-Finnish European, 0.058%; no homozygotes.

Submissions (4):

GeneDx
Classification: Uncertain significance. Last evaluated: 2024-10-07. Review status: criteria provided, single submitter. Criteria: GeneDx Variant Classification Process June 2021. Collection method: clinical testing. Allele origin: germline. Affected: yes.
Comment: In silico analysis supports that this missense variant has a deleterious effect on protein structure/function; Has not been previously published as pathogenic or benign to our knowledge

Labcorp Genetics (formerly Invitae), Labcorp
Classification: Uncertain significance. Last evaluated: 2023-10-24. Review status: criteria provided, single submitter. Criteria: Invitae Variant Classification Sherloc (09022015). Collection method: clinical testing. Allele origin: germline.
Comment: This sequence change replaces glutamic acid, which is acidic and polar, with glycine, which is neutral and non-polar, at codon 1769 of the FAT1 protein (p.Glu1769Gly). This variant is present in population databases (rs199769454, gnomAD 0.04%). This variant has not been reported in the literature in individuals affected with FAT1-related conditions. ClinVar contains an entry for this variant (Variation ID: 2158578). An algorithm developed to predict the effect of missense changes on protein structure and function (PolyPhen-2) suggests that this variant¬†is likely to be tolerated. In summary, the available evidence is currently insufficient to determine the role of this variant in disease. Therefore, it has been classified as a Variant of Uncertain Significance.

Department of Pathology and Laboratory Medicine, Sinai Health System
Classification: Uncertain significance for FAT1-related disorder. Last evaluated: 2021-07-30. Review status: criteria provided, single submitter. Criteria: ACMG Guidelines, 2015. Collection method: research. Allele origin: germline.

PreventionGenetics, part of Exact Sciences
Classification: Uncertain significance for FAT1-related condition. Last evaluated: 2024-09-10. Review status: no assertion criteria provided. Collection method: clinical testing. Allele origin: germline. Not counted in ClinVar's aggregate classification.
Comment: The FAT1 c.5306A>G variant is predicted to result in the amino acid substitution p.Glu1769Gly. To our knowledge, this variant has not been reported in the literature. This variant is reported in 0.045% of alleles in individuals of European (Non-Finnish) descent in gnomAD. At this time, the clinical significance of this variant is uncertain due to the absence of conclusive functional and genetic evidence.